The following is an entry in ClinVar:

ClinVar aggregate classification (germline): Uncertain significance (1 of 4 stars; one submission).

Allele frequency attached by ClinVar (database versions not stated): ExAC 0.00002; gnomAD 0.00003 and 0.00004; gnomAD exomes 0.00003; TOPMed 0.00003; ESP Exome Variant Server 0.00008.
gnomAD v4.1: 24 of 1,612,236 alleles (0.0015%); highest among the groups gnomAD compares: Admixed American, 0.0034%; no homozygotes.

Submission:

Labcorp Genetics (formerly Invitae), Labcorp
Classification: Uncertain significance. Last evaluated: 2025-02-24. Review status: criteria provided, single submitter. Criteria: Invitae Variant Classification Sherloc (09022015). Collection method: clinical testing. Allele origin: germline.
Comment: This sequence change replaces arginine, which is basic and polar, with glutamine, which is neutral and polar, at codon 302 of the MMP14 protein (p.Arg302Gln). This variant is present in population databases (rs144706082, gnomAD 0.006%). This variant has not been reported in the literature in individuals affected with MMP14-related conditions. ClinVar contains an entry for this variant (Variation ID: 1436352). An algorithm developed to predict the effect of missense changes on protein structure and function (PolyPhen-2) suggests that this variant is likely to be tolerated. In summary, the available evidence is currently insufficient to determine the role of this variant in disease. Therefore, it has been classified as a Variant of Uncertain Significance.

NM_004995.4(MMP14):c.905G>A (p.Arg302Gln)

Gene: MMP14 (matrix metallopeptidase 14; plus strand). Cytogenetic location: 14q11.2.
Variant type: single nucleotide variant.
Coding change: c.905G>A on transcript NM_004995.4 (MANE Select); coding-DNA position 905, G replaced by A.
Protein change: p.Arg302Gln; replaces arginine 302 with glutamine.
Molecular consequence: missense variant.
Genome position (GRCh38, 1-based): chr14:22,843,764, G>A. VCF-style: chr14-22843764-G-A. GRCh37 (hg19) VCF-style: chr14-23312973-G-A.
Other names: short protein forms R302Q.
Identifiers: ClinVar variation 1436352 (VCV001436352.8), dbSNP rs144706082, ClinGen allele CA7105308.